The following is an entry in ClinVar:

ClinVar aggregate classification (germline): Uncertain significance (1 of 4 stars; one submission).

Submission:

Labcorp Genetics (formerly Invitae), Labcorp
Classification: Uncertain significance. Last evaluated: 2023-03-26. Review status: criteria provided, single submitter. Criteria: Invitae Variant Classification Sherloc (09022015). Collection method: clinical testing. Allele origin: germline.
Comment: In summary, the available evidence is currently insufficient to determine the role of this variant in disease. Therefore, it has been classified as a Variant of Uncertain Significance. An algorithm developed to predict the effect of missense changes on protein structure and function (PolyPhen-2) suggests that this variant is likely to be disruptive. This variant has not been reported in the literature in individuals affected with OPHN1-related conditions. This variant is not present in population databases (gnomAD no frequency). This sequence change replaces aspartic acid, which is acidic and polar, with valine, which is neutral and non-polar, at codon 721 of the OPHN1 protein (p.Asp721Val).

NM_002547.3(OPHN1):c.2162A>T (p.Asp721Val)

Gene: OPHN1 (oligophrenin 1; minus strand). Cytogenetic location: Xq12.
Variant type: single nucleotide variant.
Coding change: c.2162A>T on transcript NM_002547.3 (MANE Select); coding-DNA position 2162, A replaced by T.
Protein change: p.Asp721Val; replaces aspartic acid 721 with valine.
Molecular consequence: missense variant.
Genome position (GRCh38, 1-based): chrX:68,053,807, T>A on the plus strand (A>T on the coding strand, the complement: OPHN1 is on the minus strand). VCF-style: chrX-68053807-T-A. GRCh37 (hg19) VCF-style: chrX-67273649-T-A.
Other names: short protein forms D721V.
Identifiers: ClinVar variation 2738326 (VCV002738326.3), dbSNP rs2519619827, ClinGen allele CA413430097.